The following is an entry in ClinVar:

ClinVar aggregate classification (germline): Uncertain significance. Review status: criteria provided, multiple submitters, no conflicts (2 of 4 stars). 3 submissions from 3 submitters: Uncertain significance (3). Last evaluated 2024-10-30.

Conditions:
Spermatogenic failure 18. Identifiers: MedGen C4539783, MONDO:0054615, OMIM 617576.
Ciliary dyskinesia, primary, 37 (CILD37). Also called: CILIARY DYSKINESIA, PRIMARY, 37, WITH OR WITHOUT SITUS INVERSUS. Identifiers: MedGen C4539798, MONDO:0033204, OMIM 617577.

Allele frequency attached by ClinVar (database versions not stated): gnomAD 0.00001 and 0.00002; gnomAD exomes 0.00004 and 0.00012; TOPMed 0.00005; 1000 Genomes Project 0.00020; ExAC 0.00027; 1000 Genomes Project 30x 0.00031.
gnomAD v4.1: 63 of 1,596,676 alleles (0.0039%); highest among the groups gnomAD compares: Admixed American, 0.033%; no homozygotes.

Submissions (3):

Labcorp Genetics (formerly Invitae), Labcorp
Classification: Uncertain significance for Ciliary dyskinesia, primary, 37; Spermatogenic failure 18. Last evaluated: 2024-10-30. Review status: criteria provided, single submitter. Criteria: Invitae Variant Classification Sherloc (09022015). Collection method: clinical testing. Allele origin: germline.
Comment: This sequence change replaces arginine, which is basic and polar, with tryptophan, which is neutral and slightly polar, at codon 506 of the DNAH1 protein (p.Arg506Trp). This variant is present in population databases (rs532226080, gnomAD 0.06%). This variant has not been reported in the literature in individuals affected with DNAH1-related conditions. ClinVar contains an entry for this variant (Variation ID: 1434563). An algorithm developed to predict the effect of missense changes on protein structure and function (PolyPhen-2) suggests that this variant is likely to be disruptive. In summary, the available evidence is currently insufficient to determine the role of this variant in disease. Therefore, it has been classified as a Variant of Uncertain Significance.

Ambry Genetics
Classification: Uncertain significance. Last evaluated: 2024-06-17. Review status: criteria provided, single submitter. Criteria: Ambry Variant Classification Scheme 2023. Collection method: clinical testing. Allele origin: germline.

Mayo Clinic Laboratories, Mayo Clinic
Classification: Uncertain significance. Last evaluated: 2023-02-09. Review status: criteria provided, single submitter. Criteria: ACMG Guidelines, 2015. Collection method: clinical testing. Allele origin: germline. Observed: 1 variant allele.
Comment: BP4

NM_015512.5(DNAH1):c.1516C>T (p.Arg506Trp)

Gene: DNAH1 (dynein axonemal heavy chain 1; plus strand). Cytogenetic location: 3p21.1.
Variant type: single nucleotide variant.
Coding change: c.1516C>T on transcript NM_015512.5 (MANE Select); coding-DNA position 1516, C replaced by T.
Protein change: p.Arg506Trp; replaces arginine 506 with tryptophan.
Molecular consequence: missense variant.
Genome position (GRCh38, 1-based): chr3:52,345,566, C>T. VCF-style: chr3-52345566-C-T. GRCh37 (hg19) VCF-style: chr3-52379582-C-T.
Other names: p.Arg506Trp; c.1516C>T (NM_015512.4); short protein forms R506W.
Identifiers: ClinVar variation 1434563 (VCV001434563.9), dbSNP rs532226080, ClinGen allele CA2432992.